The following is an entry in ClinVar:

ClinVar aggregate classification (germline): Likely pathogenic (1 of 4 stars; one submission).

Conditions:
Osteogenesis imperfecta type I (OI1). Also called: OI, TYPE I; OSTEOGENESIS IMPERFECTA TARDA; OSTEOGENESIS IMPERFECTA WITH BLUE SCLERAE; Osteogenesis imperfecta type 1; Classic Non-deforming Osteogenesis Imperfecta with Blue Sclerae; Lobstein's Disease. Identifiers: Orphanet 216796, Orphanet 666, MedGen C0023931, MONDO:0008146, OMIM 166200. Disease mechanism: loss of function.

Submission:

Labcorp Genetics (formerly Invitae), Labcorp
Classification: Likely pathogenic for Osteogenesis imperfecta type I. Last evaluated: 2025-02-09. Review status: criteria provided, single submitter. Criteria: Invitae Variant Classification Sherloc (09022015). Collection method: clinical testing. Allele origin: germline.
Comment: This sequence change affects a splice site in intron 45 of the COL1A1 gene. It is expected to disrupt RNA splicing. Variants that disrupt the donor or acceptor splice site typically lead to a loss of protein function (PMID: 16199547), and loss-of-function variants in COL1A1 are known to be pathogenic (PMID: 7942841, 9295084, 9443882). This variant is not present in population databases (gnomAD no frequency). This variant has not been reported in the literature in individuals affected with COL1A1-related conditions. Algorithms developed to predict the effect of sequence changes on RNA splicing suggest that this variant may disrupt the consensus splice site. In summary, the currently available evidence indicates that the variant is pathogenic, but additional data are needed to prove that conclusively. Therefore, this variant has been classified as Likely Pathogenic.

Literature cited by the submitters: PubMed 16199547; PubMed 7942841; PubMed 9295084; PubMed 9443882.

NM_000088.4(COL1A1):c.3369+1del

Gene: COL1A1 (collagen type I alpha 1 chain; minus strand). Cytogenetic location: 17q21.33.
Variant type: Deletion.
Coding change: c.3369+1del on transcript NM_000088.4 (MANE Select); the canonical splice donor site of the intron after coding-DNA position 3369, one base deleted (G; older notation c.3369+1delG).
Molecular consequence: splice donor variant.
Genome position (GRCh38, 1-based): chr17:50,187,875, C deleted on the plus strand (G on the coding strand, the reverse complement: COL1A1 is on the minus strand). VCF-style (leftmost placement, unchanged base first): chr17-50187874-AC-A. GRCh37 (hg19) VCF-style: chr17-48265235-AC-A.
Identifiers: ClinVar variation 4712671 (VCV004712671.1).